The following is an entry in ClinVar:

ClinVar aggregate classification (germline): Pathogenic (1 of 4 stars; one submission).

Conditions:
Familial thoracic aortic aneurysm and aortic dissection (TAAD). Also called: Thoracic aortic aneurysms and dissections. Identifiers: Orphanet 91387, MedGen C4707243, MONDO:0019625.

Submission:

Ambry Genetics
Classification: Pathogenic for Familial thoracic aortic aneurysm and aortic dissection. Last evaluated: 2015-10-30. Review status: criteria provided, single submitter. Criteria: Ambry Variant Classification Scheme 2023. Collection method: clinical testing. Allele origin: germline.
Comment: The c.5536delC pathogenic mutation, located in coding exon 44 of the FBN1 gene, results from a deletion of C at nucleotide position 5536, causing a translational frameshift with a predicted alternate stop codon (p.Q1846Sfs*47). Since frameshifts are typically deleterious in nature, this alteration is interpreted as a disease-causing mutation (ACMG Recommendations for Standards for Interpretation and Reporting of Sequence Variations. Revision 2007. Genet Med. 2008;10:294).

NM_000138.5(FBN1):c.5536del (p.Gln1846fs)

Gene: FBN1 (fibrillin 1; minus strand). Cytogenetic location: 15q21.1.
Variant type: Deletion.
Coding change: c.5536del on transcript NM_000138.5 (MANE Select); coding-DNA position 5536, one base deleted (C; older notation c.5536delC).
Protein change: p.Gln1846fs; shifts the reading frame from glutamine 1846.
Molecular consequence: frameshift variant.
Genome position (GRCh38, 1-based): chr15:48,452,571, G deleted on the plus strand (C on the coding strand, the reverse complement: FBN1 is on the minus strand). VCF-style (leftmost placement, unchanged base first): chr15-48452570-TG-T. GRCh37 (hg19) VCF-style: chr15-48744767-TG-T.
Other names: c.5536delC (NM_000138.4); short protein forms Q1846fs.
Identifiers: ClinVar variation 264473 (VCV000264473.5), dbSNP rs886039167, ClinGen allele CA10587816.